The following is an entry in ClinVar:

ClinVar aggregate classification (germline): Likely benign. Review status: criteria provided, multiple submitters, no conflicts (2 of 4 stars). 3 submissions from 3 submitters: Likely benign (3). Last evaluated 2026-01-09.

Conditions:
Long QT syndrome (LQTS). Identifiers: MedGen C0023976, MeSH D008133, MONDO:0002442. Disease mechanism: loss of function. Inheritance: Various modes of inheritance.

Allele frequency attached by ClinVar (database versions not stated): gnomAD 0.00002; gnomAD exomes 0.00003; TOPMed 0.00003; ExAC 0.00005.
gnomAD v4.1: 37 of 1,612,008 alleles (0.0023%); highest among the groups gnomAD compares: Middle Eastern, 0.16%; no homozygotes.

Submissions (3):

Labcorp Genetics (formerly Invitae), Labcorp
Classification: Likely benign for Long QT syndrome. Last evaluated: 2026-01-09. Review status: criteria provided, single submitter. Criteria: Invitae Variant Classification Sherloc (09022015). Collection method: clinical testing. Allele origin: germline.

Blueprint Genetics
Classification: Likely benign. Last evaluated: 2024-04-12. Review status: criteria provided, single submitter. Criteria: ACMG Guidelines, 2015. Collection method: clinical testing. Allele origin: germline.

CeGaT Center for Human Genetics Tuebingen
Classification: Likely benign. Last evaluated: 2024-04-01. Review status: criteria provided, single submitter. Criteria: CeGaT Center For Human Genetics Tuebingen Variant Classification Criteria Version 2. Collection method: clinical testing. Allele origin: germline. Affected: yes. Observed: 1 variant allele.
Comment: KCNH2: BP4

NM_000238.4(KCNH2):c.2965+7C>T

Gene: KCNH2 (potassium voltage-gated channel subfamily H member 2; minus strand). Cytogenetic location: 7q36.1.
Variant type: single nucleotide variant.
Coding change: c.2965+7C>T on transcript NM_000238.4 (MANE Select); 7 bases into the intron after coding-DNA position 2965, C replaced by T.
Molecular consequence: intron variant.
Genome position (GRCh38, 1-based): chr7:150,947,599, G>A on the plus strand (C>T on the coding strand, the complement: KCNH2 is on the minus strand). VCF-style: chr7-150947599-G-A. GRCh37 (hg19) VCF-style: chr7-150644687-G-A.
Other names: c.1945+7C>T (NM_172057.3).
Identifiers: ClinVar variation 527076 (VCV000527076.32), dbSNP rs754828103, ClinGen allele CA035994.